The following is an entry in ClinVar:

ClinVar aggregate classification (germline): Pathogenic/Likely pathogenic. Review status: criteria provided, multiple submitters, no conflicts (2 of 4 stars). 2 submissions from 2 submitters: Pathogenic (1); Likely pathogenic (1). Last evaluated 2024-01-31.

Conditions:
Hypoparathyroidism-retardation-dysmorphism syndrome (HRDS). Also called: SANJAD-SAKATI SYNDROME. Identifiers: Orphanet 2323, MedGen C1855840, MONDO:0009426, OMIM 241410.
Autosomal recessive Kenny-Caffey syndrome (KCS1). Identifiers: Orphanet 2333, Orphanet 93324, MedGen C1855648, MONDO:0009486, OMIM 244460.
Encephalopathy, progressive, with amyotrophy and optic atrophy (PEAMO). Identifiers: MedGen C4310667, MONDO:0014968, OMIM 617207.

Allele frequency attached by ClinVar (database versions not stated): gnomAD 0.00001; gnomAD exomes 0.00001; TOPMed 0.00002; ESP Exome Variant Server 0.00008.
gnomAD v4.1: 17 of 1,613,962 alleles (0.0011%); highest among the groups gnomAD compares: East Asian, 0.0022%; no homozygotes.

Submissions (2):

Labcorp Genetics (formerly Invitae), Labcorp
Classification: Pathogenic. Last evaluated: 2024-01-31. Review status: criteria provided, single submitter. Criteria: Invitae Variant Classification Sherloc (09022015). Collection method: clinical testing. Allele origin: germline.
Comment: This sequence change creates a premature translational stop signal (p.Arg355*) in the TBCE gene. It is expected to result in an absent or disrupted protein product. Loss-of-function variants in TBCE are known to be pathogenic (PMID: 27666369, 34134906, 34356170). This variant is present in population databases (rs139840338, gnomAD 0.002%). This variant has not been reported in the literature in individuals affected with TBCE-related conditions. For these reasons, this variant has been classified as Pathogenic.

Juno Genomics, Hangzhou Juno Genomics, Inc
Classification: Likely pathogenic for Encephalopathy, progressive, with amyotrophy and optic atrophy; Hypoparathyroidism-retardation-dysmorphism syndrome; Autosomal recessive Kenny-Caffey syndrome. Review status: criteria provided, single submitter. Criteria: ACMG Guidelines, 2015. Collection method: clinical testing. Allele origin: germline.
Comment: Absent from controls (or at extremely low frequency if recessive) in Genome Aggregation Database.;Null variant in a gene where loss of function (LOF) is a known mechanism of disease.

Literature cited by the submitters: PubMed 27666369 (cited by Labcorp Genetics (formerly Invitae), Labcorp); PubMed 34134906 (cited by Labcorp Genetics (formerly Invitae), Labcorp); PubMed 34356170 (cited by Labcorp Genetics (formerly Invitae), Labcorp).

NM_003193.5(TBCE):c.1063C>T (p.Arg355Ter)

Gene: TBCE (tubulin folding cofactor E; plus strand). Cytogenetic location: 1q42.3.
Variant type: single nucleotide variant.
Coding change: c.1063C>T on transcript NM_003193.5 (MANE Select); coding-DNA position 1063, C replaced by T.
Protein change: p.Arg355Ter; replaces arginine 355 with a stop codon.
Molecular consequence: nonsense.
Genome position (GRCh38, 1-based): chr1:235,437,421, C>T. VCF-style: chr1-235437421-C-T. GRCh37 (hg19) VCF-style: chr1-235600736-C-T.
Other names: c.1063C>T, p.Arg355Ter (NM_001079515.3); c.1216C>T, p.Arg406Ter (NM_001287801.2); c.724C>T, p.Arg242Ter (NM_001287802.2); short protein forms R242*, R355*, R406*.
Identifiers: ClinVar variation 2954608 (VCV002954608.5), dbSNP rs139840338, ClinGen allele CA39588461.